The following is an entry in ClinVar:

NM_213647.3(FGFR4):c.1648G>A (p.Val550Met)

Gene: FGFR4 (fibroblast growth factor receptor 4; plus strand). Cytogenetic location: 5q35.2.
Variant type: single nucleotide variant.
Coding change: c.1648G>A on transcript NM_213647.3 (MANE Select); coding-DNA position 1648, G replaced by A.
Protein change: p.Val550Met; replaces valine 550 with methionine.
Molecular consequence: missense variant.
Genome position (GRCh38, 1-based): chr5:177,095,550, G>A. VCF-style: chr5-177095550-G-A. GRCh37 (hg19) VCF-style: chr5-176522551-G-A.
Other names: c.1444G>A, p.Val482Met (NM_001291980.2); c.1648G>A, p.Val550Met (NM_001354984.2, NM_002011.5); c.1528G>A, p.Val510Met (NM_022963.3); short protein forms V482M, V510M, V550M.
Identifiers: ClinVar variation 3764831 (VCV003764831.2).
Genomic context (GRCh38, chr5:177,095,550, plus strand): 5'-AAGCTTTGGCAGCCTCTCCACGCTCCCTCCACTCCCTCTGCAGGGCCCCTGTACGTGATC[G>A]TGGAGTGCGCCGCCAAGGGAAACCTGCGGGAGTTCCTGCGGGCCCGGCGCCCCCCAGGCC-3'
Protein context (NP_998812.1, residues 540-560): CTQEGPLYVI[Val550Met]ECAAKGNLRE

ClinVar aggregate classification (somatic clinical impact): Tier I - Strong (1 of 4 stars; one submission).
ClinVar aggregate classification (oncogenicity): Uncertain significance (1 of 4 stars; one submission).

Conditions:
Embryonal rhabdomyosarcoma (ERMS). Also called: Botryoid rhabdomyosarcoma (type of ERMS); Spindle cell rhabdomyosarcomas (type of ERMS). Identifiers: Orphanet 99757, MedGen C0206656, MONDO:0009993, HP:0006743.
Neoplasm. Also called: Neoplasms; Neoplasm (disease); tumor. Identifiers: MedGen C0027651, MeSH D009369, MONDO:0005070, HP:0002664.

gnomAD v4.1: 2 of 1,610,340 alleles (0.00012%); highest among the groups gnomAD compares: Non-Finnish European, 0.00017%; no homozygotes.

Submissions (2):

Institute for Genomic Medicine (IGM) Clinical Laboratory, Nationwide Children's Hospital
Classification: Tier I - Strong for Embryonal rhabdomyosarcoma. Assertion type: diagnostic. Clinical significance: supports diagnosis. Last evaluated: 2025-06-13. Review status: criteria provided, single submitter. Criteria: AMP/ASCO/CAP Guidelines, 2017. Collection method: clinical testing. Allele origin: somatic. Affected: yes.
Comment: Variant has Tier I (strong) clinical significance as a diagnostic inclusion criterion in embryonal rhabdomyosarcoma, based on the following evidence: 1) Documented in one or more cancer databases (e.g., St. Jude Pecan, COSMIC, CIViC, OncoKB). 2) Appears in one or more well-established professional guidelines (e.g., World Health Organization [WHO]; National Comprehensive Cancer Network [NCCN]) as providing diagnostic, prognostic, or therapeutic information. 3) Information in the literature supports potential biologic effect of variant (PMID: 31575540). 4) Diagnostic for a specific tumor type/classification based on well-powered studies with expert-level consensus (Evidence Level B; PMIDs: 24436047, 34166060, 24332040, 25768946, 19809159).

Center for Genomic Medicine, Rigshospitalet, Copenhagen University Hospital
Classification: Uncertain significance for Neoplasm. Last evaluated: 2025-03-04. Review status: criteria provided, single submitter. Criteria: ClinGen/CGC/VICC Guidelines for Oncogenicity, 2022. Collection method: clinical testing. Allele origin: somatic. Affected: yes.

Literature cited by the submitters: PubMed 31575540 (cited by Institute for Genomic Medicine (IGM) Clinical Laboratory, Nationwide Children's Hospital and Center for Genomic Medicine, Rigshospitalet, Copenhagen University Hospital); PubMed 24436047 (cited by Institute for Genomic Medicine (IGM) Clinical Laboratory, Nationwide Children's Hospital); PubMed 34166060 (cited by Institute for Genomic Medicine (IGM) Clinical Laboratory, Nationwide Children's Hospital); PubMed 24332040 (cited by Institute for Genomic Medicine (IGM) Clinical Laboratory, Nationwide Children's Hospital); PubMed 25768946 (cited by Institute for Genomic Medicine (IGM) Clinical Laboratory, Nationwide Children's Hospital); PubMed 19809159 (cited by Institute for Genomic Medicine (IGM) Clinical Laboratory, Nationwide Children's Hospital and Center for Genomic Medicine, Rigshospitalet, Copenhagen University Hospital).